The following is an entry in ClinVar:

NM_004304.5(ALK):c.3939-7T>A

Gene: ALK (ALK receptor tyrosine kinase; minus strand). Cytogenetic location: 2p23.2.
Variant type: single nucleotide variant.
Coding change: c.3939-7T>A on transcript NM_004304.5 (MANE Select); 7 bases into the intron before coding-DNA position 3939, T replaced by A.
Molecular consequence: intron variant.
Genome position (GRCh38, 1-based): chr2:29,197,683, A>T on the plus strand (T>A on the coding strand, the complement: ALK is on the minus strand). VCF-style: chr2-29197683-A-T. GRCh37 (hg19) VCF-style: chr2-29420549-A-T.
Other names: c.735-7T>A (NM_001353765.2).
Identifiers: ClinVar variation 3661382 (VCV003661382.2).

ClinVar aggregate classification (germline): Uncertain significance (1 of 4 stars; one submission).

Conditions:
Neuroblastoma, susceptibility to, 3. Also called: ALK-Related Neuroblastic Tumor Susceptibility. Identifiers: Orphanet 635, MedGen C2751681, MONDO:0013083, OMIM 613014.

Submission:

Labcorp Genetics (formerly Invitae), Labcorp
Classification: Uncertain significance for Neuroblastoma, susceptibility to, 3. Last evaluated: 2024-08-04. Review status: criteria provided, single submitter. Criteria: Invitae Variant Classification Sherloc (09022015). Collection method: clinical testing. Allele origin: germline.
Comment: This sequence change falls in intron 26 of the ALK gene. It does not directly change the encoded amino acid sequence of the ALK protein. This variant is not present in population databases (gnomAD no frequency). This variant has not been reported in the literature in individuals affected with ALK-related conditions. Algorithms developed to predict the effect of sequence changes on RNA splicing suggest that this variant may disrupt the consensus splice site. In summary, the available evidence is currently insufficient to determine the role of this variant in disease. Therefore, it has been classified as a Variant of Uncertain Significance.